The following is an entry in ClinVar:

NM_000047.3(ARSL):c.752C>T (p.Ala251Val)

Gene: ARSL (arylsulfatase L; minus strand). Cytogenetic location: Xp22.33.
Variant type: single nucleotide variant.
Coding change: c.752C>T on transcript NM_000047.3 (MANE Select); coding-DNA position 752, C replaced by T.
Protein change: p.Ala251Val; replaces alanine 251 with valine.
Molecular consequence: missense variant.
Genome position (GRCh38, 1-based): chrX:2,949,406, G>A on the plus strand (C>T on the coding strand, the complement: ARSL is on the minus strand). VCF-style: chrX-2949406-G-A. GRCh37 (hg19) VCF-style: chrX-2867447-G-A.
Other names: c.827C>T, p.Ala276Val (NM_001282628.2, NM_001369080.1); c.590C>T, p.Ala197Val (NM_001282631.2); c.779C>T, p.Ala260Val (NM_001369079.1); short protein forms A251V, A276V, A197V, A260V.
Identifiers: ClinVar variation 373588 (VCV000373588.10), dbSNP rs368737099, ClinGen allele CA10338152.

ClinVar aggregate classification (germline): Uncertain significance. Review status: criteria provided, multiple submitters, no conflicts (2 of 4 stars). 2 submissions from 2 submitters: Uncertain significance (2). Last evaluated 2025-03-13.

Conditions:
Chondrodysplasia punctata, brachytelephalangic, autosomal. Also called: BRACHYTELEPHALANGIC CHONDRODYSPLASIA PUNCTATA. Identifiers: MedGen C1844853, MONDO:0011238, OMIM 602497.

Allele frequency attached by ClinVar (database versions not stated): ExAC 0.00001; gnomAD exomes 0.00001 and 0.00002; gnomAD 0.00004; TOPMed 0.00005; ESP Exome Variant Server 0.00009.
gnomAD v4.1: 13 of 1,209,009 alleles (0.0011%); highest among the groups gnomAD compares: African/African-American, 0.023%; no homozygotes.

Submissions (2):

Labcorp Genetics (formerly Invitae), Labcorp
Classification: Uncertain significance for Chondrodysplasia punctata, brachytelephalangic, autosomal. Last evaluated: 2025-03-13. Review status: criteria provided, single submitter. Criteria: Invitae Variant Classification Sherloc (09022015). Collection method: clinical testing. Allele origin: germline.
Comment: This sequence change replaces alanine, which is neutral and non-polar, with valine, which is neutral and non-polar, at codon 251 of the ARSE protein (p.Ala251Val). This variant is present in population databases (rs368737099, gnomAD 0.03%). This variant has not been reported in the literature in individuals affected with ARSE-related conditions. ClinVar contains an entry for this variant (Variation ID: 373588). Invitae Evidence Modeling of protein sequence and biophysical properties (such as structural, functional, and spatial information, amino acid conservation, physicochemical variation, residue mobility, and thermodynamic stability) indicates that this missense variant is not expected to disrupt ARSE protein function with a negative predictive value of 80%. In summary, the available evidence is currently insufficient to determine the role of this variant in disease. Therefore, it has been classified as a Variant of Uncertain Significance.

GeneDx
Classification: Uncertain significance. Last evaluated: 2016-12-15. Review status: criteria provided, single submitter. Criteria: GeneDx Variant Classification (06012015). Collection method: clinical testing. Allele origin: germline. Affected: yes.
Comment: The A251V variant in the ARSE gene has not been reported previously as a pathogenic variant, nor as a benign variant, to our knowledge. This variant was not observed at any significant frequency in approximately 6500 individuals of European and African American ancestry in the NHLBI Exome Sequencing Project, indicating it is not a common benign variant in these populations. The A251V variant is a conservative amino acid substitution, which is not likely to impact secondary protein structure as these residues share similar properties. This substitution occurs at a position that is not conserved. In silico analysis is inconsistent in its predictions as to whether or not the variant is damaging to the protein structure/function. We interpret A251V as a variant of uncertain significance.